The following is an entry in ClinVar:

NM_000193.4(SHH):c.930C>T (p.Arg310=)

Gene: SHH (sonic hedgehog signaling molecule; minus strand). Cytogenetic location: 7q36.3.
Variant type: single nucleotide variant.
Coding change: c.930C>T on transcript NM_000193.4 (MANE Select); coding-DNA position 930, C replaced by T.
Protein change: p.Arg310=; no amino-acid change (arginine 310 retained).
Molecular consequence: synonymous variant. On other transcripts: intron variant (1).
Genome position (GRCh38, 1-based): chr7:155,803,359, G>A on the plus strand (C>T on the coding strand, the complement: SHH is on the minus strand). VCF-style: chr7-155803359-G-A. GRCh37 (hg19) VCF-style: chr7-155596053-G-A.
Other names: c.301+2937C>T (NM_001310462.2).
Identifiers: ClinVar variation 3055048 (VCV003055048.2), dbSNP rs2535893269, ClinGen allele CA458893047.

ClinVar aggregate classification (germline): Likely benign (0 of 4 stars; one submission).

Conditions:
SHH-related disorder. Also called: SHH-related disorders; SHH-related condition.

Submission:

PreventionGenetics, part of Exact Sciences
Classification: Likely benign for SHH-related condition. Last evaluated: 2020-08-10. Review status: no assertion criteria provided. Collection method: clinical testing. Allele origin: germline.
Comment: This variant is classified as likely benign based on ACMG/AMP sequence variant interpretation guidelines (Richards et al. 2015 PMID: 25741868, with internal and published modifications).